The following is an entry in ClinVar:

ClinVar aggregate classification (germline): Likely pathogenic (1 of 4 stars; one submission).

Conditions:
Cardiomyopathy (CMYO). Also called: Cardiomyopathies. Identifiers: Orphanet 167848, MedGen C0878544, MONDO:0004994, HP:0001638. Inheritance: Various modes of inheritance.

Submission:

Color Diagnostics, LLC DBA Color Health
Classification: Likely pathogenic for Cardiomyopathy. Last evaluated: 2022-05-09. Review status: criteria provided, single submitter. Criteria: ACMG Guidelines, 2015. Collection method: clinical testing. Allele origin: germline.
Comment: This variant alters the canonical splice donor site in intron 16 of the MYBPC3 gene. Splice site prediction tools predict that this variant may have a significant impact on RNA splicing. Although this prediction has not been confirmed in published RNA studies, this variant is expected to result in an absent or disrupted protein product. This variant has not been reported in individuals affected with cardiovascular disorders in the literature. This variant has not been identified in the general population by the Genome Aggregation Database (gnomAD). Loss of MYBPC3 function is a known mechanism of disease. Based on the available evidence, this variant is classified as Likely Pathogenic.

NM_000256.3(MYBPC3):c.1457_1457+25delinsC

Gene: MYBPC3 (myosin binding protein C3; minus strand). Cytogenetic location: 11p11.2.
Variant type: Indel.
Coding change: c.1457_1457+25delinsC on transcript NM_000256.3 (MANE Select); coding-DNA position 1457 through 25 bases into the intron after coding-DNA position 1457, GGTGAGTTCCAGAAGCACGGGGCATG replaced by C.
Molecular consequence: splice donor variant.
Genome position (GRCh38, 1-based): chr11:47,342,805-47,342,830, CATGCCCCGTGCTTCTGGAACTCACC replaced by G on the plus strand (GGTGAGTTCCAGAAGCACGGGGCATG replaced by C on the coding strand, the reverse complement: MYBPC3 is on the minus strand). VCF-style: chr11-47342805-CATGCCCCGTGCTTCTGGAACTCACC-G. GRCh37 (hg19) VCF-style: chr11-47364356-CATGCCCCGTGCTTCTGGAACTCACC-G.
Identifiers: ClinVar variation 2773742 (VCV002773742.2), dbSNP rs2495763202, ClinGen allele CA2697548582.